The following is an entry in ClinVar:

ClinVar aggregate classification (germline): Likely pathogenic (1 of 4 stars; one submission).

Conditions:
Muscular dystrophy-dystroglycanopathy (congenital with brain and eye anomalies), type A3. Also called: Muscular dystrophy-dystroglycanopathy (congenital with brain and eye anomalies), type A, 3; Congenital muscular dystrophy-dystroglycanopathy with brain and eye anomalies, type A3; WALKER-WARBURG SYNDROME OR MUSCLE-EYE-BRAIN DISEASE, POMGNT1-RELATED. Identifiers: MedGen C3151519, MONDO:0009667, OMIM 253280.

Submission:

Myriad Genetics, Inc.
Classification: Likely pathogenic for Muscular dystrophy-dystroglycanopathy (congenital with brain and eye anomalies), type A3. Last evaluated: 2022-02-01. Review status: criteria provided, single submitter. Criteria: Myriad Women's Health Autosomal Recessive and X-Linked Classification Criteria (2021). Collection method: clinical testing. Allele origin: unknown.
Comment: NM_017739.3(POMGNT1):c.208_209delGA(E70Rfs*9) is expected to be pathogenic in the context of POMGNT-related disorders. This variant is predicted to lead to an abnormal or absent protein product due to the creation of a premature termination codon in POMGNT1, a gene where loss-of-function variants are known to be pathogenic. Please note: this variant was assessed in the context of healthy population screening.

NM_017739.4(POMGNT1):c.208_209del (p.Glu70fs)

Gene: POMGNT1 (protein O-linked mannose N-acetylglucosaminyltransferase 1 (beta 1,2-); minus strand). Cytogenetic location: 1p34.1.
Variant type: Deletion.
Coding change: c.208_209del on transcript NM_017739.4 (MANE Select); coding-DNA positions 208 to 209, 2 bases deleted (GA; older notation c.208_209delGA).
Protein change: p.Glu70fs; shifts the reading frame from glutamic acid 70.
Molecular consequence: frameshift variant. On other transcripts: 5 prime UTR variant (1).
Genome position (GRCh38, 1-based): chr1:46,196,996-46,196,997, TC deleted on the plus strand (GA on the coding strand, the reverse complement: POMGNT1 is on the minus strand). VCF-style (leftmost placement, unchanged base first): chr1-46196995-TTC-T. GRCh37 (hg19) VCF-style: chr1-46662667-TTC-T.
Other names: c.208_209del, p.Glu70fs (NM_001243766.2, NM_001410783.1); c.142_143delGA, p.Glu48Argfs (NM_001290129.3); c.-222_-221del (NM_001290130.2); short protein forms E48fs, E70fs.
Identifiers: ClinVar variation 1724200 (VCV001724200.2), dbSNP rs2525465896, ClinGen allele CA2580063004.